The following is an entry in ClinVar:

ClinVar aggregate classification (germline): Conflicting classifications of pathogenicity. Review status: criteria provided, conflicting classifications (1 of 4 stars). 5 submissions from 5 submitters: Uncertain significance (4); Likely benign (1). Last evaluated 2025-12-08.

Conditions:
Hereditary cancer-predisposing syndrome. Also called: Hereditary Cancer Syndrome; Hereditary neoplastic syndrome; Tumor predisposition; Neoplastic Syndromes, Hereditary. Identifiers: Orphanet 140162, MedGen C0027672, MeSH D009386, MONDO:0015356.
Multiple endocrine neoplasia, type 1 (MEN1). Also called: MEN I; WERMER SYNDROME; Endocrine adenomatosis multiple; MEN 1; MEA I. Identifiers: Orphanet 652, MedGen C0025267, MeSH D018761, MONDO:0007540, OMIM 131100.

Allele frequency attached by ClinVar (database versions not stated): gnomAD exomes below 0.00001; TOPMed below 0.00001.
gnomAD v4.1: 1 of 1,613,738 alleles (0.000062%); highest among the groups gnomAD compares: Non-Finnish European, 0.000085%; no homozygotes.

Submissions (5):

Labcorp Genetics (formerly Invitae), Labcorp
Classification: Likely benign for Multiple endocrine neoplasia, type 1. Last evaluated: 2025-12-08. Review status: criteria provided, single submitter. Criteria: Invitae Variant Classification Sherloc (09022015). Collection method: clinical testing. Allele origin: germline.

Fulgent Genetics
Classification: Uncertain significance for Multiple endocrine neoplasia, type 1. Last evaluated: 2024-02-16. Review status: criteria provided, single submitter. Criteria: ACMG Guidelines, 2015. Collection method: clinical testing. Allele origin: germline.

Baylor Genetics
Classification: Uncertain significance for Multiple Endocrine Neoplasia Type 1. Last evaluated: 2023-12-26. Review status: criteria provided, single submitter. Criteria: ACMG Guidelines, 2015. Collection method: clinical testing. Allele origin: unknown.

Ambry Genetics
Classification: Uncertain significance for Hereditary cancer-predisposing syndrome. Last evaluated: 2023-09-06. Review status: criteria provided, single submitter. Criteria: Ambry Variant Classification Scheme 2023. Collection method: clinical testing. Allele origin: germline.
Comment: The p.E290A variant (also known as c.869A>C), located in coding exon 5 of the MEN1 gene, results from an A to C substitution at nucleotide position 869. The glutamic acid at codon 290 is replaced by alanine, an amino acid with dissimilar properties. This amino acid position is well conserved in available vertebrate species. In addition, the in silico prediction for this alteration is inconclusive. Since supporting evidence is limited at this time, the clinical significance of this alteration remains unclear.

Genetic Services Laboratory, University of Chicago
Classification: Uncertain significance. Last evaluated: 2020-01-13. Review status: criteria provided, single submitter. Criteria: ACMG Guidelines, 2015. Collection method: clinical testing. Allele origin: germline. Affected: no.

NM_001370259.2(MEN1):c.869A>C (p.Glu290Ala)

Gene: MEN1 (menin 1; minus strand). Cytogenetic location: 11q13.1.
Variant type: single nucleotide variant.
Coding change: c.869A>C on transcript NM_001370259.2 (MANE Select); coding-DNA position 869, A replaced by C.
Protein change: p.Glu290Ala; replaces glutamic acid 290 with alanine.
Molecular consequence: missense variant.
Genome position (GRCh38, 1-based): chr11:64,807,054, T>G on the plus strand (A>C on the coding strand, the complement: MEN1 is on the minus strand). VCF-style: chr11-64807054-T-G. GRCh37 (hg19) VCF-style: chr11-64574526-T-G.
Other names: c.869A>C, p.Glu290Ala (NM_001370260.2, NM_001370261.2, NM_130799.3 and 1 more transcripts); c.764A>C, p.Glu255Ala (NM_001370262.2, NM_001370263.2); c.884A>C, p.Glu295Ala (NM_130800.3, NM_130801.3, NM_130802.3 and 3 more transcripts); short protein forms E290A, E295A, E255A.
Identifiers: ClinVar variation 457342 (VCV000457342.19), dbSNP rs1213891703, ClinGen allele CA381183566.
Genomic context (GRCh38, chr11:64,807,054, plus strand): 5'-TCCTTAGATGCCCCCACCTTGTGGTAGAGGGTGAGTGGGTCTGGCCGGCCAGGGGTGGGC[T>G]CCAGCTCCTCTAGATCTGCCAGGTTCCCTAAGGCCATGGGGTACCTAGGAAAGGATCATA-3'
Protein context (NP_001357188.2, residues 280-300): LGNLADLEEL[Glu290Ala]PTPGRPDPLT